The following is an entry in ClinVar:

NM_014727.3(KMT2B):c.2490C>T (p.Ala830=)

Gene: KMT2B (lysine methyltransferase 2B; plus strand). Cytogenetic location: 19q13.12.
Variant type: single nucleotide variant.
Coding change: c.2490C>T on transcript NM_014727.3 (MANE Select); coding-DNA position 2490, C replaced by T.
Protein change: p.Ala830=; no amino-acid change (alanine 830 retained).
Molecular consequence: synonymous variant.
Genome position (GRCh38, 1-based): chr19:35,722,391, C>T. VCF-style: chr19-35722391-C-T. GRCh37 (hg19) VCF-style: chr19-36213293-C-T.
Other names: c.2490C>T (NM_014727.2).
Identifiers: ClinVar variation 1298755 (VCV001298755.41), dbSNP rs377430041, ClinGen allele CA9384469.
Genomic context (GRCh38, chr19:35,722,391, plus strand): 5'-GCCCCTGACCCTGTTTATTCCCTGCCAGCTGAGCCCTGGAGGGCAGATGGAGGAGGTGGC[C>T]GGGGCTGTCAAGCAGATCTCCGACAGAGGCCCTGTCCGGTCTGAAGATGAGTCGGTGGAA-3'
Protein context (NP_055542.1, residues 820-840): LSPGGQMEEV[Ala830=]GAVKQISDRG

ClinVar aggregate classification (germline): Likely benign. Review status: criteria provided, multiple submitters, no conflicts (2 of 4 stars). 3 submissions from 3 submitters: Likely benign (2). 1 of the submissions does not count toward it. Last evaluated 2026-01-21.

Conditions:
KMT2B-related disorder. Also called: KMT2B-related disorders; KMT2B-related condition. Identifiers: MedGen CN381338.

Allele frequency attached by ClinVar (database versions not stated): ExAC 0.00019; gnomAD exomes 0.00020; gnomAD 0.00024 and 0.00025; TOPMed 0.00027; ESP Exome Variant Server 0.00033.
gnomAD v4.1: 684 of 1,610,684 alleles (0.042%); highest among the groups gnomAD compares: Non-Finnish European, 0.054%; 1 homozygote.

Submissions (3):

Labcorp Genetics (formerly Invitae), Labcorp
Classification: Likely benign. Last evaluated: 2026-01-21. Review status: criteria provided, single submitter. Criteria: Invitae Variant Classification Sherloc (09022015). Collection method: clinical testing. Allele origin: germline.

CeGaT Center for Human Genetics Tuebingen
Classification: Likely benign. Last evaluated: 2024-08-01. Review status: criteria provided, single submitter. Criteria: CeGaT Center For Human Genetics Tuebingen Variant Classification Criteria Version 2. Collection method: clinical testing. Allele origin: germline. Affected: yes. Observed: 5 variant alleles.
Comment: KMT2B: BP4, BP7

PreventionGenetics, part of Exact Sciences
Classification: Likely benign for KMT2B-related condition. Last evaluated: 2019-04-16. Review status: no assertion criteria provided. Collection method: clinical testing. Allele origin: germline. Not counted in ClinVar's aggregate classification.
Comment: This variant is classified as likely benign based on ACMG/AMP sequence variant interpretation guidelines (Richards et al. 2015 PMID: 25741868, with internal and published modifications).